The following is an entry in ClinVar:

ClinVar aggregate classification (germline): Likely benign (1 of 4 stars; one submission).

Submission:

CeGaT Center for Human Genetics Tuebingen
Classification: Likely benign. Last evaluated: 2025-06-01. Review status: criteria provided, single submitter. Criteria: CeGaT Center For Human Genetics Tuebingen Variant Classification Criteria Version 2. Collection method: clinical testing. Allele origin: germline. Affected: yes. Observed: 1 variant allele.
Comment: REST: PM2:Supporting, BP4, BP7

NM_005612.5(REST):c.3102G>T (p.Gly1034=)

Gene: REST (RE1 silencing transcription factor; plus strand). Cytogenetic location: 4q12.
Variant type: single nucleotide variant.
Coding change: c.3102G>T on transcript NM_005612.5 (MANE Select); coding-DNA position 3102, G replaced by T.
Protein change: p.Gly1034=; no amino-acid change (glycine 1034 retained).
Molecular consequence: synonymous variant.
Genome position (GRCh38, 1-based): chr4:56,931,960, G>T. VCF-style: chr4-56931960-G-T. GRCh37 (hg19) VCF-style: chr4-57798126-G-T.
Other names: c.3102G>T, p.Gly1034= (NM_001193508.2, NM_001363453.3); c.3018G>T, p.Gly1006= (NM_001440532.1, NM_001440533.1).
Identifiers: ClinVar variation 4085260 (VCV004085260.8).